The following is an entry in ClinVar:

ClinVar aggregate classification (germline): Uncertain significance (1 of 4 stars; one submission).

Conditions:
Hereditary breast ovarian cancer syndrome. Also called: Hereditary breast and ovarian cancer syndrome; Hereditary breast and ovarian cancer syndrome (HBOC); BRCA1- and BRCA2-Associated Hereditary Breast and Ovarian Cancer; Hereditary breast and ovarian cancer; Breast and ovarian cancer; Hereditary breast and/or ovarian cancer syndrome. Identifiers: Orphanet 145, MedGen C0677776, MeSH D061325, MONDO:0003582. Disease mechanism: loss of function.

Submission:

Labcorp Genetics (formerly Invitae), Labcorp
Classification: Uncertain significance for Hereditary breast ovarian cancer syndrome. Last evaluated: 2024-08-27. Review status: criteria provided, single submitter. Criteria: Invitae Variant Classification Sherloc (09022015). Collection method: clinical testing. Allele origin: germline.
Comment: This sequence change replaces phenylalanine, which is neutral and non-polar, with tyrosine, which is neutral and polar, at codon 2600 of the BRCA2 protein (p.Phe2600Tyr). This variant is not present in population databases (gnomAD no frequency). This variant has not been reported in the literature in individuals affected with BRCA2-related conditions. Invitae Evidence Modeling of protein sequence and biophysical properties (such as structural, functional, and spatial information, amino acid conservation, physicochemical variation, residue mobility, and thermodynamic stability) indicates that this missense variant is not expected to disrupt BRCA2 protein function with a negative predictive value of 95%. In summary, the available evidence is currently insufficient to determine the role of this variant in disease. Therefore, it has been classified as a Variant of Uncertain Significance.

NM_000059.4(BRCA2):c.7799T>A (p.Phe2600Tyr)

Gene: BRCA2 (BRCA2 DNA repair associated; plus strand). Cytogenetic location: 13q13.1.
Variant type: single nucleotide variant.
Coding change: c.7799T>A on transcript NM_000059.4 (MANE Select); coding-DNA position 7799, T replaced by A.
Protein change: p.Phe2600Tyr; replaces phenylalanine 2600 with tyrosine.
Molecular consequence: missense variant. On other transcripts: non-coding transcript variant (1).
Genome position (GRCh38, 1-based): chr13:32,357,923, T>A. VCF-style: chr13-32357923-T-A. GRCh37 (hg19) VCF-style: chr13-32932060-T-A.
Other names: c.7703T>A, p.Phe2568Tyr (NM_001406719.1); c.7799T>A, p.Phe2600Tyr (NM_001406720.1, NM_001432077.1); c.2867T>A, p.Phe956Tyr (NM_001406721.1); c.1382T>A, p.Phe461Tyr (NM_001406722.1); short protein forms F2568Y, F461Y, F2600Y, F956Y.
Identifiers: ClinVar variation 3636526 (VCV003636526.2).